The following is an entry in ClinVar:

NM_015102.5(NPHP4):c.267C>T (p.Ile89=)

Gene: NPHP4 (nephrocystin 4; minus strand). Cytogenetic location: 1p36.31.
Variant type: single nucleotide variant.
Coding change: c.267C>T on transcript NM_015102.5 (MANE Select); coding-DNA position 267, C replaced by T.
Protein change: p.Ile89=; no amino-acid change (isoleucine 89 retained).
Molecular consequence: synonymous variant. On other transcripts: 5 prime UTR variant (1), non-coding transcript variant (1), intron variant (1).
Genome position (GRCh38, 1-based): chr1:5,978,282, G>A on the plus strand (C>T on the coding strand, the complement: NPHP4 is on the minus strand). VCF-style: chr1-5978282-G-A. GRCh37 (hg19) VCF-style: chr1-6038342-G-A.
Other names: c.267C>T (NM_015102.4); c.-963C>T (NM_001291593.2); c.-1087-9023C>T (NM_001291594.2).
Identifiers: ClinVar variation 196469 (VCV000196469.16), dbSNP rs372171438, ClinGen allele CA243428.

ClinVar aggregate classification (germline): Conflicting classifications of pathogenicity. Review status: criteria provided, conflicting classifications (1 of 4 stars). 4 submissions from 4 submitters: Uncertain significance (1); Likely benign (2). 1 of the submissions does not count toward it. Last evaluated 2024-06-24.

Conditions:
NPHP4-related disorder. Also called: NPHP4-related condition; NPHP4-related disorders. Identifiers: MedGen CN239384.
Nephronophthisis. Also called: Juvenile Nephronophthisis. Identifiers: Orphanet 655, MedGen C0687120, MONDO:0019005, HP:0000090.

Allele frequency attached by ClinVar (database versions not stated): gnomAD 0.00004; gnomAD exomes 0.00004; TOPMed 0.00004; ESP Exome Variant Server 0.00008; ExAC 0.00011.
gnomAD v4.1: 74 of 1,606,916 alleles (0.0046%); highest among the groups gnomAD compares: Middle Eastern, 0.016%; no homozygotes.

Submissions (4):

Labcorp Genetics (formerly Invitae), Labcorp
Classification: Likely benign for Nephronophthisis. Last evaluated: 2024-06-24. Review status: criteria provided, single submitter. Criteria: Invitae Variant Classification Sherloc (09022015). Collection method: clinical testing. Allele origin: germline.

Blueprint Genetics
Classification: Likely benign. Last evaluated: 2023-11-07. Review status: criteria provided, single submitter. Criteria: ACMG Guidelines, 2015. Collection method: clinical testing. Allele origin: germline.

Eurofins Ntd Llc (ga)
Classification: Uncertain significance. Last evaluated: 2015-01-21. Review status: criteria provided, single submitter. Criteria: EGL Classification Definitions 2015. Collection method: clinical testing. Allele origin: germline. Observed: 1 variant allele, 1 heterozygote.

PreventionGenetics, part of Exact Sciences
Classification: Likely benign for NPHP4-related condition. Last evaluated: 2021-09-14. Review status: no assertion criteria provided. Collection method: clinical testing. Allele origin: germline. Not counted in ClinVar's aggregate classification.
Comment: This variant is classified as likely benign based on ACMG/AMP sequence variant interpretation guidelines (Richards et al. 2015 PMID: 25741868, with internal and published modifications).